The following is an entry in ClinVar:

ClinVar aggregate classification (germline): Benign (1 of 4 stars; one submission).

Conditions:
Isovaleryl-CoA dehydrogenase deficiency (IVA). Also called: ISOVALERIC ACID CoA DEHYDROGENASE DEFICIENCY; IVD DEFICIENCY; Isovaleric acidemia; Classic Isovaleric Acidemia. Identifiers: Orphanet 33, MedGen C0268575, MONDO:0009475, OMIM 243500.

Allele frequency attached by ClinVar (database versions not stated): gnomAD 0.02523 and 0.02695; TOPMed 0.02818; 1000 Genomes Project 0.02995; 1000 Genomes Project 30x 0.03389.
gnomAD v4.1: 5,011 of 790,828 alleles (0.63%); highest among the groups gnomAD compares: African/African-American, 8.6%; 207 homozygotes.

Submission:

Illumina Laboratory Services, Illumina
Classification: Benign for Isovaleryl-CoA dehydrogenase deficiency. Last evaluated: 2018-01-13. Review status: criteria provided, single submitter. Criteria: ICSL Variant Classification Criteria 13 December 2019. Collection method: clinical testing. Allele origin: germline.
Comment: This variant was observed in the ICSL laboratory as part of a predisposition screen in an ostensibly healthy population. It had not been previously curated by ICSL or reported in the Human Gene Mutation Database (HGMD: prior to June 1st, 2018), and was therefore a candidate for classification through an automated scoring system. Utilizing variant allele frequency, disease prevalence and penetrance estimates, and inheritance mode, an automated score was calculated to assess if this variant is too frequent to cause the disease. Based on the score and internal cut-off values, a variant classified as benign is not then subjected to further curation. The score for this variant resulted in a classification of benign for this disease.

NM_002225.5(IVD):c.*596G>A

Gene: IVD (isovaleryl-CoA dehydrogenase; plus strand). Cytogenetic location: 15q15.1.
Variant type: single nucleotide variant.
Coding change: c.*596G>A on transcript NM_002225.5 (MANE Select); 596 bases downstream of the stop codon, G replaced by A.
Molecular consequence: 3 prime UTR variant. On other transcripts: intron variant (3).
Genome position (GRCh38, 1-based): chr15:40,418,859, G>A. VCF-style: chr15-40418859-G-A. GRCh37 (hg19) VCF-style: chr15-40711058-G-A.
Other names: c.*596G>A (NM_001159508.3, NM_001354597.3, NM_001354599.3); c.1225+2497G>A (NM_001354600.3); c.1138+2497G>A (NM_001354598.3, NM_001354601.3).
Identifiers: ClinVar variation 315813 (VCV000315813.5), dbSNP rs115034694, ClinGen allele CA10641727.
Genomic context (GRCh38, chr15:40,418,859, plus strand): 5'-AAATTCAACTTTCAGTCTCTTTTCTGGGGGAAAAAAATAATAAACCTAGCCTAGCCAGGC[G>A]TGGTGGCTCATGCTTGTAATCCCAGCACTTCAGGAGGCTGAGATGGGTGGATCACCTGAG-3'